The following is an entry in ClinVar:

NM_017534.6(MYH2):c.5539C>T (p.Arg1847Cys)

Genes: MYH2 (myosin heavy chain 2; minus strand), MYHAS (myosin heavy chain gene cluster antisense RNA; plus strand). Cytogenetic location: 17p13.1.
Variant type: single nucleotide variant.
Coding change: c.5539C>T on transcript NM_017534.6 (MANE Select); coding-DNA position 5539, C replaced by T.
Protein change: p.Arg1847Cys; replaces arginine 1847 with cysteine.
Molecular consequence: missense variant.
Genome position (GRCh38, 1-based): chr17:10,523,346, G>A on the plus strand (C>T on the coding strand, the complement: MYH2 is on the minus strand). VCF-style: chr17-10523346-G-A. GRCh37 (hg19) VCF-style: chr17-10426663-G-A.
Other names: c.5539C>T (NM_017534.5); c.5539C>T, p.Arg1847Cys (NM_001100112.2); short protein forms R1847C.
Identifiers: ClinVar variation 1446748 (VCV001446748.9), dbSNP rs774045866, ClinGen allele CA8390372.

ClinVar aggregate classification (germline): Uncertain significance. Review status: criteria provided, multiple submitters, no conflicts (2 of 4 stars). 2 submissions from 2 submitters: Uncertain significance (2). Last evaluated 2025-10-02.

Conditions:
Inborn genetic diseases. Identifiers: MedGen C0950123, MeSH D030342.
Myopathy, proximal, and ophthalmoplegia (CMYO6). Also called: MYOPATHY WITH CONGENITAL JOINT CONTRACTURES, OPHTHALMOPLEGIA, AND RIMMED VACUOLES; INCLUSION BODY MYOPATHY 3, AUTOSOMAL DOMINANT; CONGENITAL MYOPATHY 6 WITH OPHTHALMOPLEGIA. Identifiers: Orphanet 363677, Orphanet 79091, MedGen C1854106, MONDO:0011577, OMIM 605637.

Allele frequency attached by ClinVar (database versions not stated): ExAC 0.00002; gnomAD exomes 0.00002 and 0.00006; TOPMed 0.00002; gnomAD 0.00003 and 0.00004.
gnomAD v4.1: 94 of 1,614,012 alleles (0.0058%); highest among the groups gnomAD compares: Non-Finnish European, 0.007%; no homozygotes.

Submissions (2):

Labcorp Genetics (formerly Invitae), Labcorp
Classification: Uncertain significance for Myopathy, proximal, and ophthalmoplegia. Last evaluated: 2025-10-02. Review status: criteria provided, single submitter. Criteria: Invitae Variant Classification Sherloc (09022015). Collection method: clinical testing. Allele origin: germline.
Comment: This sequence change replaces arginine, which is basic and polar, with cysteine, which is neutral and slightly polar, at codon 1847 of the MYH2 protein (p.Arg1847Cys). This variant is present in population databases (rs774045866, gnomAD 0.008%). This variant has not been reported in the literature in individuals affected with MYH2-related conditions. ClinVar contains an entry for this variant (Variation ID: 1446748). Invitae Evidence Modeling of protein sequence and biophysical properties (such as structural, functional, and spatial information, amino acid conservation, physicochemical variation, residue mobility, and thermodynamic stability) indicates that this missense variant is expected to disrupt MYH2 protein function with a positive predictive value of 80%. Algorithms developed to predict the effect of sequence changes on RNA splicing suggest that this variant may disrupt the consensus splice site. In summary, the available evidence is currently insufficient to determine the role of this variant in disease. Therefore, it has been classified as a Variant of Uncertain Significance.

Ambry Genetics
Classification: Uncertain significance for Inborn genetic diseases. Last evaluated: 2021-07-28. Review status: criteria provided, single submitter. Criteria: Ambry Variant Classification Scheme 2023. Collection method: clinical testing. Allele origin: germline.